The following is an entry in ClinVar:

ClinVar aggregate classification (germline): Uncertain significance. Review status: criteria provided, multiple submitters, no conflicts (2 of 4 stars). 3 submissions from 3 submitters: Uncertain significance (3). Last evaluated 2025-05-05.

Conditions:
Inborn genetic diseases. Identifiers: MedGen C0950123, MeSH D030342.

Allele frequency attached by ClinVar (database versions not stated): gnomAD 0.00001; gnomAD exomes 0.00004; TOPMed 0.00004; ExAC 0.00007.
gnomAD v4.1: 117 of 1,610,346 alleles (0.0073%); highest among the groups gnomAD compares: Non-Finnish European, 0.0095%; no homozygotes.

Submissions (3):

Labcorp Genetics (formerly Invitae), Labcorp
Classification: Uncertain significance. Last evaluated: 2025-05-05. Review status: criteria provided, single submitter. Criteria: Invitae Variant Classification Sherloc (09022015). Collection method: clinical testing. Allele origin: germline.
Comment: This sequence change replaces glycine, which is neutral and non-polar, with glutamic acid, which is acidic and polar, at codon 23 of the IARS2 protein (p.Gly23Glu). This variant is present in population databases (rs753955998, gnomAD 0.009%). This variant has not been reported in the literature in individuals affected with IARS2-related conditions. ClinVar contains an entry for this variant (Variation ID: 1515372). An algorithm developed to predict the effect of missense changes on protein structure and function (PolyPhen-2) suggests that this variant is likely to be tolerated. In summary, the available evidence is currently insufficient to determine the role of this variant in disease. Therefore, it has been classified as a Variant of Uncertain Significance.

Ambry Genetics
Classification: Uncertain significance for Inborn genetic diseases. Last evaluated: 2022-11-18. Review status: criteria provided, single submitter. Criteria: Ambry Variant Classification Scheme 2023. Collection method: clinical testing. Allele origin: germline.

Mayo Clinic Laboratories, Mayo Clinic
Classification: Uncertain significance. Last evaluated: 2022-08-24. Review status: criteria provided, single submitter. Criteria: ACMG Guidelines, 2015. Collection method: clinical testing. Allele origin: germline. Observed: 1 variant allele.
Comment: BP4, PM2

NM_018060.4(IARS2):c.68G>A (p.Gly23Glu)

Genes: IARS2 (isoleucyl-tRNA synthetase 2, mitochondrial; plus strand), LOC129932529 (ATAC-STARR-seq lymphoblastoid silent region 1823; plus strand). Cytogenetic location: 1q41.
Variant type: single nucleotide variant.
Coding change: c.68G>A on transcript NM_018060.4 (MANE Select); coding-DNA position 68, G replaced by A.
Protein change: p.Gly23Glu; replaces glycine 23 with glutamic acid.
Molecular consequence: missense variant.
Genome position (GRCh38, 1-based): chr1:220,094,284, G>A. VCF-style: chr1-220094284-G-A. GRCh37 (hg19) VCF-style: chr1-220267626-G-A.
Other names: p.Gly23Glu; c.68G>A (NM_018060.3); short protein forms G23E.
Identifiers: ClinVar variation 1515372 (VCV001515372.7), dbSNP rs753955998, ClinGen allele CA1401029.